The following is an entry in ClinVar:

NM_000059.4(BRCA2):c.7805+1568A>G

Gene: BRCA2 (BRCA2 DNA repair associated; plus strand). Cytogenetic location: 13q13.1.
Variant type: single nucleotide variant.
Coding change: c.7805+1568A>G on transcript NM_000059.4 (MANE Select); 1568 bases into the intron after coding-DNA position 7805, A replaced by G.
Molecular consequence: intron variant.
Genome position (GRCh38, 1-based): chr13:32,359,497, A>G. VCF-style: chr13-32359497-A-G. GRCh37 (hg19) VCF-style: chr13-32933634-A-G.
Identifiers: ClinVar variation 264932 (VCV000264932.1), dbSNP rs192381346, ClinGen allele CA10588128.

ClinVar aggregate classification (germline): Benign (3 of 4 stars; one submission).

Conditions:
Breast-ovarian cancer, familial, susceptibility to, 2 (BROVCA2). Also called: BRCA2 Hereditary Breast and Ovarian Cancer. Identifiers: Orphanet 145, MedGen C2675520, MONDO:0012933, OMIM 612555. Disease mechanism: loss of function.

Allele frequency attached by ClinVar (database versions not stated): gnomAD 0.00223 and 0.00285; TOPMed 0.00230; 1000 Genomes Project 30x 0.00484; 1000 Genomes Project 0.00479.
gnomAD v4.1: 432 of 152,258 alleles (0.28%); highest among the groups gnomAD compares: South Asian, 2.1%; 2 homozygotes.

Submission:

Evidence-based Network for the Interpretation of Germline Mutant Alleles (ENIGMA)
Classification: Benign for Breast-ovarian cancer, familial, susceptibility to, 2. Last evaluated: 2016-09-28. Review status: reviewed by expert panel. Criteria: ENIGMA BRCA1/2 Classification Criteria (2015). Collection method: curation. Allele origin: germline.
Comment: Class 1 not pathogenic based on frequency >1% in an outbred sampleset. Frequency 0.0164 (South Asian), derived from 1000 genomes (2013-05-02).